The following is an entry in ClinVar:

ClinVar aggregate classification (germline): Pathogenic (1 of 4 stars; one submission).

Conditions:
Smith-Lemli-Opitz syndrome (SLOS). Also called: LETHAL ACRODYSGENITAL SYNDROME; POLYDACTYLY, SEX REVERSAL, RENAL HYPOPLASIA, AND UNILOBAR LUNG; RSH SYNDROME; RUTLEDGE LETHAL MULTIPLE CONGENITAL ANOMALY SYNDROME; 7-Dehydrocholesterol reductase deficiency. Identifiers: Orphanet 818, MedGen C0175694, MONDO:0010035, OMIM 270400.

Submission:

Labcorp Genetics (formerly Invitae), Labcorp
Classification: Pathogenic for Smith-Lemli-Opitz syndrome. Last evaluated: 2022-03-09. Review status: criteria provided, single submitter. Criteria: Invitae Variant Classification Sherloc (09022015). Collection method: clinical testing. Allele origin: germline.
Comment: This variant is not present in population databases (gnomAD no frequency). For these reasons, this variant has been classified as Pathogenic. This variant disrupts a region of the DHCR7 protein in which other variant(s) (p.Val466Met) have been determined to be pathogenic (PMID: 21990131, 22391996, 23042628; Invitae). This suggests that this is a clinically significant region of the protein, and that variants that disrupt it are likely to be disease-causing. This variant has not been reported in the literature in individuals affected with DHCR7-related conditions. This sequence change creates a premature translational stop signal (p.Val338Trpfs*75) in the DHCR7 gene. While this is not anticipated to result in nonsense mediated decay, it is expected to disrupt the last 138 amino acid(s) of the DHCR7 protein.

Literature cited by the submitters: PubMed 21990131; PubMed 22391996; PubMed 23042628.

NM_001360.3(DHCR7):c.1012del (p.Val338fs)

Gene: DHCR7 (7-dehydrocholesterol reductase; minus strand). Cytogenetic location: 11q13.4.
Variant type: Deletion.
Coding change: c.1012del on transcript NM_001360.3 (MANE Select); coding-DNA position 1012, one base deleted (G; older notation c.1012delG).
Protein change: p.Val338fs; shifts the reading frame from valine 338.
Molecular consequence: frameshift variant.
Genome position (GRCh38, 1-based): chr11:71,435,791, C deleted on the plus strand (G on the coding strand, the reverse complement: DHCR7 is on the minus strand). VCF-style (leftmost placement, unchanged base first): chr11-71435790-AC-A. GRCh37 (hg19) VCF-style: chr11-71146836-AC-A.
Other names: c.1012del, p.Val338fs (NM_001163817.2); short protein forms V338fs.
Identifiers: ClinVar variation 2108087 (VCV002108087.4), dbSNP rs2539210434, ClinGen allele CA2580084833.
Genomic context (GRCh38, chr11:71,435,790, plus strand): 5'-TTCTGGTGGTTGGCCACCCGGAAGATGTAGTAGCCCACCAGGCCCAGCAGCAGGACGCCC[AC>A]GGCGTGCGGGGTGGACAGCTGCACGGGGTGGTACACCAAGTACAGACCCTGGGGGGCGAG-3'